The following is an entry in ClinVar:

NM_014757.5(MAML1):c.663C>T (p.Val221=)

Gene: MAML1 (mastermind like transcriptional coactivator 1; plus strand). Cytogenetic location: 5q35.3.
Variant type: single nucleotide variant.
Coding change: c.663C>T on transcript NM_014757.5 (MANE Select); coding-DNA position 663, C replaced by T.
Protein change: p.Val221=; no amino-acid change (valine 221 retained).
Molecular consequence: synonymous variant.
Genome position (GRCh38, 1-based): chr5:179,765,673, C>T. VCF-style: chr5-179765673-C-T. GRCh37 (hg19) VCF-style: chr5-179192674-C-T.
Identifiers: ClinVar variation 2656136 (VCV002656136.24), dbSNP rs146285187, ClinGen allele CA3598860.
Genomic context (GRCh38, chr5:179,765,673, plus strand): 5'-CAGTAACCCCAGTGAGTCATTTCCTCTGAGCCTGAATAAAGAACTGAAGCAGGAGCCTGT[C>T]GAAGACCTGCCTTGCATGATCACTGGGACTGTCGGCTCCATATCGCAAAGCAACCTCATG-3'
Protein context (NP_055572.1, residues 211-231): SLNKELKQEP[Val221=]EDLPCMITGT

ClinVar aggregate classification (germline): Likely benign (1 of 4 stars; one submission).

Allele frequency attached by ClinVar (database versions not stated): 1000 Genomes Project 30x 0.00016; TOPMed 0.00019; 1000 Genomes Project 0.00020; gnomAD 0.00023; gnomAD exomes 0.00030; ExAC 0.00041; ESP Exome Variant Server 0.00054.
gnomAD v4.1: 467 of 1,614,154 alleles (0.029%); highest among the groups gnomAD compares: Non-Finnish European, 0.033%; 1 homozygote.

Submission:

CeGaT Center for Human Genetics Tuebingen
Classification: Likely benign. Last evaluated: 2022-04-01. Review status: criteria provided, single submitter. Criteria: CeGaT Center For Human Genetics Tuebingen Variant Classification Criteria Version 2. Collection method: clinical testing. Allele origin: germline. Affected: yes. Observed: 1 variant allele.
Comment: MAML1: BP4, BP7